The following is an entry in ClinVar:

ClinVar aggregate classification (germline): Likely benign (1 of 4 stars; one submission).

Conditions:
Fabry disease. Also called: Fabry's disease; ALPHA-GALACTOSIDASE A DEFICIENCY; ANDERSON-FABRY DISEASE; CERAMIDE TRIHEXOSIDASE DEFICIENCY; GLA DEFICIENCY; HEREDITARY DYSTOPIC LIPIDOSIS. Identifiers: Orphanet 324, MedGen C0002986, MONDO:0010526, OMIM 301500, HP:0001071. Disease mechanism: Fabry disease is due to inactivating mutations in the X-linked GLA gene resulting in deficiency of the enzyme Alpha Galactosidase-A., loss of function.

Submission:

All of Us Research Program, National Institutes of Health
Classification: Likely benign for Fabry disease. Last evaluated: 2023-07-19. Review status: criteria provided, single submitter. Criteria: ACMG Guidelines, 2015. Collection method: clinical testing. Allele origin: germline. Inheritance: X-linked inheritance. Observed: 1 variant allele, 1 heterozygote.
Comment: This study involves interpretation of variants in research participants for the purpose of population health screening. Participant phenotype was not available at the time of variant classification. Additional details can be found in publication PMID: 35346344, PMCID: PMC8962531

NM_000169.3(GLA):c.543A>G (p.Ala181=)

Genes: GLA (galactosidase alpha; minus strand), RPL36A-HNRNPH2 (RPL36A-HNRNPH2 readthrough; plus strand). Cytogenetic location: Xq22.1.
Variant type: single nucleotide variant.
Coding change: c.543A>G on transcript NM_000169.3 (MANE Select); coding-DNA position 543, A replaced by G.
Protein change: p.Ala181=; no amino-acid change (alanine 181 retained).
Molecular consequence: synonymous variant. On other transcripts: non-coding transcript variant (3), intron variant (2).
Genome position (GRCh38, 1-based): chrX:101,401,636, T>C on the plus strand (A>G on the coding strand, the complement: GLA is on the minus strand). VCF-style: chrX-101401636-T-C. GRCh37 (hg19) VCF-style: chrX-100656624-T-C.
Other names: c.666A>G, p.Ala222= (NM_001406747.1, NM_001406749.1); c.543A>G, p.Ala181= (NM_001406748.1); c.300+6179T>C (NM_001199973.2); c.177+9814T>C (NM_001199974.2).
Identifiers: ClinVar variation 3072446 (VCV003072446.1), dbSNP rs1309535256, ClinGen allele CA517521842.
Genomic context (GRCh38, chrX:101,401,636, plus strand): 5'-TACCATGGCCTCAAAGTTCTTTCCTTTGTGGCTAAATCTCTGGAATGAAACATTACCATC[T>C]GCCAAATTTTCCAAACTGTCACAGTAACAACCATCAAATTTTAGCAGATCTACTCCCCAG-3'
Protein context (NP_000160.1, residues 171-191): GCYCDSLENL[Ala181=]DGYKHMSLAL